The following is an entry in ClinVar:

ClinVar aggregate classification (germline): Uncertain significance (1 of 4 stars; one submission).

Conditions:
History of neurodevelopmental disorder. Identifiers: MedGen C2711754.

Submission:

Ambry Genetics
Classification: Uncertain significance for History of neurodevelopmental disorder. Last evaluated: 2013-06-10. Review status: criteria provided, single submitter. Criteria: Ambry Autosomal Dominant and X-Linked criteria (10/2015). Collection method: clinical testing. Allele origin: germline. Observed: 1 variant allele.
Comment: There is insufficient or conflicting evidence for classification of this alteration.

NM_004463.3(FGD1):c.415C>T (p.Pro139Ser)

Gene: FGD1 (FYVE, RhoGEF and PH domain containing 1; minus strand). Cytogenetic location: Xp11.22.
Variant type: single nucleotide variant.
Coding change: c.415C>T on transcript NM_004463.3 (MANE Select); coding-DNA position 415, C replaced by T.
Protein change: p.Pro139Ser; replaces proline 139 with serine.
Molecular consequence: missense variant.
Genome position (GRCh38, 1-based): chrX:54,471,380, G>A on the plus strand (C>T on the coding strand, the complement: FGD1 is on the minus strand). VCF-style: chrX-54471380-G-A. GRCh37 (hg19) VCF-style: chrX-54497813-G-A.
Other names: short protein forms P139S.
Identifiers: ClinVar variation 590236 (VCV000590236.3), dbSNP rs1569541278, ClinGen allele CA413250400.